The following is an entry in ClinVar:

ClinVar aggregate classification (germline): Benign/Likely benign. Review status: criteria provided, multiple submitters, no conflicts (2 of 4 stars). 8 submissions from 8 submitters: Benign (4); Likely benign (3). 1 of the submissions does not count toward it. Last evaluated 2026-01-15.

Conditions:
AARS2-related disorder. Also called: AARS2-related disorders; AARS2-related condition. Identifiers: MedGen CN381518, MONDO:1060240.
Combined oxidative phosphorylation defect type 8. Also called: CARDIOMYOPATHY, HYPERTROPHIC MITOCHONDRIAL, FATAL INFANTILE. Identifiers: Orphanet 319504, MedGen C4518839, MONDO:0013570, OMIM 614096.

Allele frequency attached by ClinVar (database versions not stated): gnomAD exomes 0.00068 and 0.00175; ExAC 0.00228; 1000 Genomes Project 30x 0.00718; 1000 Genomes Project 0.00739; gnomAD 0.00745 and 0.00812; ESP Exome Variant Server 0.00753; TOPMed 0.00818.
gnomAD v4.1: 2,185 of 1,613,660 alleles (0.14%); highest among the groups gnomAD compares: African/African-American, 2.5%; 31 homozygotes.

Submissions (8):

Labcorp Genetics (formerly Invitae), Labcorp
Classification: Benign. Last evaluated: 2026-01-15. Review status: criteria provided, single submitter. Criteria: Invitae Variant Classification Sherloc (09022015). Collection method: clinical testing. Allele origin: germline.

Molecular Diagnostic Laboratory for Inherited Cardiovascular Disease, Montreal Heart Institute
Classification: Likely benign. Last evaluated: 2025-04-09. Review status: criteria provided, single submitter. Criteria: ACMG Guidelines, 2015. Collection method: clinical testing. Allele origin: germline. Affected: no.

Mayo Clinic Laboratories, Mayo Clinic
Classification: Benign. Last evaluated: 2021-11-23. Review status: criteria provided, single submitter. Criteria: ACMG Guidelines, 2015. Collection method: clinical testing. Allele origin: germline. Observed: 8 variant alleles.
Comment: BA1, BP4

Illumina Laboratory Services, Illumina
Classification: Benign for Combined oxidative phosphorylation defect type 8. Last evaluated: 2017-04-27. Review status: criteria provided, single submitter. Criteria: ICSL Variant Classification Criteria 13 December 2019. Collection method: clinical testing. Allele origin: germline.
Comment: This variant was observed as part of a predisposition screen in an ostensibly healthy population. A literature search was performed for the gene, cDNA change, and amino acid change (where applicable). No publications were found based on this search. Allele frequency data from public databases was too high to be consistent with this variant causing disease. Therefore, this variant is classified as benign.

Center for Pediatric Genomic Medicine, Children's Mercy Hospital and Clinics
Classification: Likely benign. Last evaluated: 2017-01-27. Review status: criteria provided, single submitter. Criteria: ACMG Guidelines, 2015. Collection method: clinical testing. Allele origin: germline.
ClinVar note: Converted during submission from Likely Benign to Likely benign.

GeneDx
Classification: Benign. Last evaluated: 2014-02-09. Review status: criteria provided, single submitter. Criteria: GeneDx Variant Classification (06012015). Collection method: clinical testing. Allele origin: germline. Affected: yes.
Comment: This variant is considered likely benign or benign based on one or more of the following criteria: it is a conservative change, it occurs at a poorly conserved position in the protein, it is predicted to be benign by multiple in silico algorithms, and/or has population frequency not consistent with disease.

Breakthrough Genomics
Classification: Likely benign. Review status: criteria provided, single submitter. Criteria: ACMG Guidelines, 2015. Collection method: not provided. Allele origin: germline. Inheritance: Autosomal recessive inheritance. Affected: yes.

PreventionGenetics, part of Exact Sciences
Classification: Benign for AARS2-related condition. Last evaluated: 2024-01-30. Review status: no assertion criteria provided. Collection method: clinical testing. Allele origin: germline. Not counted in ClinVar's aggregate classification.
Comment: This variant is classified as benign based on ACMG/AMP sequence variant interpretation guidelines (Richards et al. 2015 PMID: 25741868, with internal and published modifications).

NM_020745.4(AARS2):c.2629C>T (p.Arg877Trp)

Gene: AARS2 (alanyl-tRNA synthetase 2, mitochondrial; minus strand). Cytogenetic location: 6p21.1.
Variant type: single nucleotide variant.
Coding change: c.2629C>T on transcript NM_020745.4 (MANE Select); coding-DNA position 2629, C replaced by T.
Protein change: p.Arg877Trp; replaces arginine 877 with tryptophan.
Molecular consequence: missense variant.
Genome position (GRCh38, 1-based): chr6:44,301,434, G>A on the plus strand (C>T on the coding strand, the complement: AARS2 is on the minus strand). VCF-style: chr6-44301434-G-A. GRCh37 (hg19) VCF-style: chr6-44269171-G-A.
Other names: p.R877W:CGG>TGG; p.Arg877Trp; short protein forms R877W.
Identifiers: ClinVar variation 136220 (VCV000136220.22), dbSNP rs112247130, ClinGen allele CA289189.
Genomic context (GRCh38, chr6:44,301,434, plus strand): 5'-CACTCACTGAGAGAGACTCAGCAGAGACTGTGTCCACAATCAGAGGCCCCTTCGAGTGCC[G>A]CTCCAGCAGCTCCTGAGTTTTCTTTGCAGCCTATGGGGCAGGAAGGACAAGCAGAGGGGT-3'
Protein context (NP_065796.2, residues 867-887): AAKKTQELLE[Arg877Trp]HSKGPLIVDT